The following is an entry in ClinVar:

NM_021978.4(ST14):c.1464C>T (p.Cys488=)

Gene: ST14 (ST14 transmembrane serine protease matriptase; plus strand). Cytogenetic location: 11q24.3.
Variant type: single nucleotide variant.
Coding change: c.1464C>T on transcript NM_021978.4 (MANE Select); coding-DNA position 1464, C replaced by T.
Protein change: p.Cys488=; no amino-acid change (cysteine 488 retained).
Molecular consequence: synonymous variant.
Genome position (GRCh38, 1-based): chr11:130,198,312, C>T. VCF-style: chr11-130198312-C-T. GRCh37 (hg19) VCF-style: chr11-130068207-C-T.
Identifiers: ClinVar variation 713495 (VCV000713495.11), dbSNP rs3765081, ClinGen allele CA6364083.

ClinVar aggregate classification (germline): Benign/Likely benign. Review status: criteria provided, multiple submitters, no conflicts (2 of 4 stars). 3 submissions from 3 submitters: Benign (1); Likely benign (1). 1 of the submissions does not count toward it. Last evaluated 2025-04-14.

Conditions:
ST14-related disorder. Also called: ST14-related condition.

Allele frequency attached by ClinVar (database versions not stated): ESP Exome Variant Server 0.00008; gnomAD exomes 0.00015 and 0.00035; gnomAD 0.00026 and 0.00028; TOPMed 0.00028; ExAC 0.00036; 1000 Genomes Project 30x 0.00047; 1000 Genomes Project 0.00060.
gnomAD v4.1: 352 of 1,614,070 alleles (0.022%); highest among the groups gnomAD compares: East Asian, 0.44%; 4 homozygotes.

Submissions (3):

Labcorp Genetics (formerly Invitae), Labcorp
Classification: Benign. Last evaluated: 2025-04-14. Review status: criteria provided, single submitter. Criteria: Invitae Variant Classification Sherloc (09022015). Collection method: clinical testing. Allele origin: germline.

Blueprint Genetics
Classification: Likely benign. Last evaluated: 2024-10-30. Review status: criteria provided, single submitter. Criteria: ACMG Guidelines, 2015. Collection method: clinical testing. Allele origin: germline.

PreventionGenetics, part of Exact Sciences
Classification: Likely benign for ST14-related condition. Last evaluated: 2024-06-28. Review status: no assertion criteria provided. Collection method: clinical testing. Allele origin: germline. Not counted in ClinVar's aggregate classification.
Comment: This variant is classified as likely benign based on ACMG/AMP sequence variant interpretation guidelines (Richards et al. 2015 PMID: 25741868, with internal and published modifications).